The following is an entry in ClinVar:

NM_018429.3(BDP1):c.852G>A (p.Glu284=)

Gene: BDP1 (BDP1 general transcription factor IIIB subunit; plus strand). Cytogenetic location: 5q13.2.
Variant type: single nucleotide variant.
Coding change: c.852G>A on transcript NM_018429.3 (MANE Select); coding-DNA position 852, G replaced by A.
Protein change: p.Glu284=; no amino-acid change (glutamic acid 284 retained).
Molecular consequence: synonymous variant.
Genome position (GRCh38, 1-based): chr5:71,467,420, G>A. VCF-style: chr5-71467420-G-A. GRCh37 (hg19) VCF-style: chr5-70763247-G-A.
Identifiers: ClinVar variation 3058688 (VCV003058688.3), dbSNP rs779484262, ClinGen allele CA3295826.

ClinVar aggregate classification (germline): Likely benign. Review status: criteria provided, single submitter (1 of 4 stars). 2 submissions from 2 submitters: Likely benign (1). 1 of the submissions does not count toward it. Last evaluated 2024-11-19.

Conditions:
BDP1-related disorder. Also called: BDP1-related condition.

Allele frequency attached by ClinVar (database versions not stated): ExAC 0.00001; gnomAD 0.00001; gnomAD exomes 0.00001; TOPMed 0.00001.
gnomAD v4.1: 10 of 1,610,766 alleles (0.00062%); highest among the groups gnomAD compares: Non-Finnish European, 0.00085%; no homozygotes.

Submissions (2):

Blueprint Genetics
Classification: Likely benign. Last evaluated: 2024-11-19. Review status: criteria provided, single submitter. Criteria: ACMG Guidelines, 2015. Collection method: clinical testing. Allele origin: germline.

PreventionGenetics, part of Exact Sciences
Classification: Likely benign for BDP1-related condition. Last evaluated: 2019-03-27. Review status: no assertion criteria provided. Collection method: clinical testing. Allele origin: germline. Not counted in ClinVar's aggregate classification.
Comment: This variant is classified as likely benign based on ACMG/AMP sequence variant interpretation guidelines (Richards et al. 2015 PMID: 25741868, with internal and published modifications).